The following is an entry in ClinVar:

NM_182972.3(IRF2BP2):c.205G>A (p.Gly69Ser)

Gene: IRF2BP2 (interferon regulatory factor 2 binding protein 2; minus strand). Cytogenetic location: 1q42.3.
Variant type: single nucleotide variant.
Coding change: c.205G>A on transcript NM_182972.3 (MANE Select); coding-DNA position 205, G replaced by A.
Protein change: p.Gly69Ser; replaces glycine 69 with serine.
Molecular consequence: missense variant.
Genome position (GRCh38, 1-based): chr1:234,609,290, C>T on the plus strand (G>A on the coding strand, the complement: IRF2BP2 is on the minus strand). VCF-style: chr1-234609290-C-T. GRCh37 (hg19) VCF-style: chr1-234745036-C-T.
Other names: c.205G>A, p.Gly69Ser (NM_001077397.1); short protein forms G69S.
Identifiers: ClinVar variation 3711690 (VCV003711690.2).
Genomic context (GRCh38, chr1:234,609,290, plus strand): 5'-TGGCGGAGAGCGGCGGCGGCTTGGCGGCGGCCGAGGCCGCGGCGCCGGGTGGGGAGCGAC[C>T]CTCCGGGAAGCAGCCGTGCGCCCGCTTGAGCTGCCGCGCCGTCTCGATGACGAACTCGAC-3'
Protein context (NP_892017.2, residues 59-79): LKRAHGCFPE[Gly69Ser]RSPPGAAASA

ClinVar aggregate classification (germline): Uncertain significance (1 of 4 stars; one submission).

gnomAD v4.1: 4 of 1,467,018 alleles (0.00027%); highest among the groups gnomAD compares: Non-Finnish European, 0.00036%; no homozygotes.

Submission:

Labcorp Genetics (formerly Invitae), Labcorp
Classification: Uncertain significance. Last evaluated: 2024-07-16. Review status: criteria provided, single submitter. Criteria: Invitae Variant Classification Sherloc (09022015). Collection method: clinical testing. Allele origin: germline.
Comment: This sequence change replaces glycine, which is neutral and non-polar, with serine, which is neutral and polar, at codon 69 of the IRF2BP2 protein (p.Gly69Ser). The frequency data for this variant in the population databases is considered unreliable, as metrics indicate poor data quality at this position in the gnomAD database. This variant has not been reported in the literature in individuals affected with IRF2BP2-related conditions. An algorithm developed to predict the effect of missense changes on protein structure and function (PolyPhen-2) suggests that this variant is likely to be disruptive. In summary, the available evidence is currently insufficient to determine the role of this variant in disease. Therefore, it has been classified as a Variant of Uncertain Significance.